The following is an entry in ClinVar:

NM_001401501.2(MUC16):c.5871T>C (p.Pro1957=)

Gene: MUC16 (mucin 16, cell surface associated; minus strand). Cytogenetic location: 19p13.2.
Variant type: single nucleotide variant.
Coding change: c.5871T>C on transcript NM_001401501.2 (MANE Select); coding-DNA position 5871, T replaced by C.
Protein change: p.Pro1957=; no amino-acid change (proline 1957 retained).
Molecular consequence: synonymous variant.
Genome position (GRCh38, 1-based): chr19:8,975,388, A>G on the plus strand (T>C on the coding strand, the complement: MUC16 is on the minus strand). VCF-style: chr19-8975388-A-G. GRCh37 (hg19) VCF-style: chr19-9086064-A-G.
Other names: c.6297T>C, p.Pro2099= (NM_001414686.1); c.5751T>C, p.Pro1917= (NM_001414687.1, NM_024690.2).
Identifiers: ClinVar variation 781430 (VCV000781430.6), dbSNP rs115916681, ClinGen allele CA9172567.

ClinVar aggregate classification (germline): Benign. Review status: criteria provided, multiple submitters, no conflicts (2 of 4 stars). 3 submissions from 3 submitters: Benign (2). 1 of the submissions does not count toward it. Last evaluated 2018-08-14.

Conditions:
MUC16-related disorder. Also called: MUC16-related condition.

Allele frequency attached by ClinVar (database versions not stated): ESP Exome Variant Server 0.02286; 1000 Genomes Project 30x 0.02436; gnomAD exomes 0.00238 and 0.00570; ExAC 0.00689; 1000 Genomes Project 0.02256; gnomAD 0.02319 and 0.02168; TOPMed 0.02467.

Submissions (3):

Labcorp Genetics (formerly Invitae), Labcorp
Classification: Benign. Last evaluated: 2018-08-14. Review status: criteria provided, single submitter. Criteria: Invitae Variant Classification Sherloc (09022015). Collection method: clinical testing. Allele origin: germline.

Breakthrough Genomics
Classification: Benign. Review status: criteria provided, single submitter. Criteria: ACMG Guidelines, 2015. Collection method: not provided. Allele origin: germline. Inheritance: Unknown mechanism. Affected: yes.

PreventionGenetics, part of Exact Sciences
Classification: Benign for MUC16-related condition. Last evaluated: 2019-10-01. Review status: no assertion criteria provided. Collection method: clinical testing. Allele origin: germline. Not counted in ClinVar's aggregate classification.
Comment: This variant is classified as benign based on ACMG/AMP sequence variant interpretation guidelines (Richards et al. 2015 PMID: 25741868, with internal and published modifications).